The following is an entry in ClinVar:

NM_144999.4(LRRC45):c.574C>T (p.Leu192Phe)

Gene: LRRC45 (leucine rich repeat containing 45; plus strand). Cytogenetic location: 17q25.3.
Variant type: single nucleotide variant.
Coding change: c.574C>T on transcript NM_144999.4 (MANE Select); coding-DNA position 574, C replaced by T.
Protein change: p.Leu192Phe; replaces leucine 192 with phenylalanine.
Molecular consequence: missense variant.
Genome position (GRCh38, 1-based): chr17:82,025,420, C>T. VCF-style: chr17-82025420-C-T. GRCh37 (hg19) VCF-style: chr17-79983296-C-T.
Other names: short protein forms L192F.
Identifiers: ClinVar variation 4986635 (VCV004986635.1).

ClinVar aggregate classification (germline): Uncertain significance (1 of 4 stars; one submission).

Conditions:
LRRC45-related disorder. Also called: LRRC45-related condition.

gnomAD v4.1: 10 of 1,605,868 alleles (0.00062%); highest among the groups gnomAD compares: Non-Finnish European, 0.00051%; no homozygotes.

Submission:

PreventionGenetics, part of Exact Sciences
Classification: Uncertain significance for LRRC45-related condition. Last evaluated: 2025-07-21. Review status: criteria provided, single submitter. Criteria: ACMG Guidelines, 2015. Collection method: clinical testing. Allele origin: germline.
Comment: The LRRC45 c.574C>T variant is predicted to result in the amino acid substitution p.Leu192Phe. To our knowledge, this variant has not been reported in the literature. This variant is reported in 0.0018% of alleles in individuals of European (Non-Finnish) descent in gnomAD. At this time, the clinical significance of this variant is uncertain due to the absence of conclusive functional and genetic evidence.